The following is an entry in ClinVar:

NM_001042472.3(ABHD12):c.769C>T (p.Arg257Trp)

Gene: ABHD12 (abhydrolase domain containing 12, lysophospholipase; minus strand). Cytogenetic location: 20p11.21.
Variant type: single nucleotide variant.
Coding change: c.769C>T on transcript NM_001042472.3 (MANE Select); coding-DNA position 769, C replaced by T.
Protein change: p.Arg257Trp; replaces arginine 257 with tryptophan.
Molecular consequence: missense variant.
Genome position (GRCh38, 1-based): chr20:25,308,475, G>A on the plus strand (C>T on the coding strand, the complement: ABHD12 is on the minus strand). VCF-style: chr20-25308475-G-A. GRCh37 (hg19) VCF-style: chr20-25289111-G-A.
Other names: p.Arg257Trp; c.769C>T, p.Arg257Trp (NM_015600.5); short protein forms R257W.
Identifiers: ClinVar variation 337993 (VCV000337993.65), dbSNP rs41306784, ClinGen allele CA9796008.

ClinVar aggregate classification (germline): Conflicting classifications of pathogenicity. Review status: criteria provided, conflicting classifications (1 of 4 stars). 13 submissions from 13 submitters: Uncertain significance (3); Likely benign (4). 6 of the submissions do not count toward it. Last evaluated 2026-02-01.

Conditions:
ABHD12-related disorder. Also called: ABHD12-related condition.
Retinal dystrophy. Also called: Inherited retinal dystrophy. Identifiers: Orphanet 71862, MedGen C0854723, MeSH D058499, MONDO:0019118, HP:0000556.
PHARC syndrome. Also called: Polyneuropathy-hearing loss-ataxia-retinitis pigmentosa-cataract syndrome. Identifiers: Orphanet 171848, MedGen C2675204, MONDO:0012984, OMIM 612674.

Allele frequency attached by ClinVar (database versions not stated): 1000 Genomes Project 30x 0.00078; 1000 Genomes Project 0.00080; TOPMed 0.00097; gnomAD exomes 0.00103 and 0.00157; gnomAD 0.00106 and 0.00112; ESP Exome Variant Server 0.00131; ExAC 0.00149.

Submissions (13):

Labcorp Genetics (formerly Invitae), Labcorp
Classification: Likely benign. Last evaluated: 2026-02-01. Review status: criteria provided, single submitter. Criteria: Invitae Variant Classification Sherloc (09022015). Collection method: clinical testing. Allele origin: germline.

Women's Health and Genetics/Laboratory Corporation of America, LabCorp
Classification: Likely benign. Last evaluated: 2025-09-10. Review status: criteria provided, single submitter. Criteria: LabCorp Variant Classification Summary - May 2015. Collection method: clinical testing. Allele origin: germline.
Comment: Variant summary: ABHD12 c.769C>T (p.Arg257Trp) results in a non-conservative amino acid change in the encoded protein sequence. Algorithms developed to predict the effect of missense changes on protein structure and function are either unavailable or do not agree on the potential impact of this missense change. The variant allele was found at a frequency of 0.001 in 244928 control chromosomes, predominantly at a frequency of 0.002 within the Non-Finnish European subpopulation in the gnomAD database. The observed variant frequency within Non-Finnish European control individuals in the gnomAD database exceeds the estimated maximal expected allele frequency for disease-causing variants in ABHD12. To our knowledge, no occurrence of c.769C>T in individuals affected with ABHD12-related conditions and no experimental evidence demonstrating its impact on protein function have been reported. ClinVar contains an entry for this variant (Variation ID: 337993). Based on the evidence outlined above, the variant was classified as likely benign.

Blueprint Genetics
Classification: Likely benign. Last evaluated: 2024-11-23. Review status: criteria provided, single submitter. Criteria: ACMG Guidelines, 2015. Collection method: clinical testing. Allele origin: germline.

Mayo Clinic Laboratories, Mayo Clinic
Classification: Uncertain significance. Last evaluated: 2023-11-15. Review status: criteria provided, single submitter. Criteria: ACMG Guidelines, 2015. Collection method: clinical testing. Allele origin: germline. Observed: 3 variant alleles.
Comment: BS1

GeneDx
Classification: Likely benign. Last evaluated: 2021-05-04. Review status: criteria provided, single submitter. Criteria: GeneDx Variant Classification Process June 2021. Collection method: clinical testing. Allele origin: germline. Affected: yes.

CeGaT Center for Human Genetics Tuebingen
Classification: Uncertain significance. Last evaluated: 2018-04-01. Review status: criteria provided, single submitter. Criteria: CeGaT Center For Human Genetics Tuebingen Variant Classification Criteria Version 2. Collection method: clinical testing. Allele origin: germline. Affected: yes. Observed: 2 variant alleles.

Illumina Laboratory Services, Illumina
Classification: Uncertain significance for PHARC syndrome. Last evaluated: 2018-01-13. Review status: criteria provided, single submitter. Criteria: ICSL Variant Classification Criteria 13 December 2019. Collection method: clinical testing. Allele origin: germline.

PreventionGenetics, part of Exact Sciences
Classification: Likely benign for ABHD12-related condition. Last evaluated: 2022-09-28. Review status: no assertion criteria provided. Collection method: clinical testing. Allele origin: germline. Not counted in ClinVar's aggregate classification.
Comment: This variant is classified as likely benign based on ACMG/AMP sequence variant interpretation guidelines (Richards et al. 2015 PMID: 25741868, with internal and published modifications).

Institute of Human Genetics, Univ. Regensburg, Univ. Regensburg
Classification: Uncertain significance for Retinal dystrophy. Last evaluated: 2022-01-01. Review status: no assertion criteria provided. Criteria: ACMG Guidelines, 2015. Collection method: clinical testing. Allele origin: germline. Affected: yes. Not counted in ClinVar's aggregate classification.

Clinical Genetics DNA and cytogenetics Diagnostics Lab, Erasmus MC, Erasmus Medical Center
Classification: Uncertain significance. Review status: no assertion criteria provided. Collection method: clinical testing. Allele origin: germline. Affected: yes. Study: VKGL Data-share Consensus. Not counted in ClinVar's aggregate classification.

Clinical Genetics, Academic Medical Center
Classification: Uncertain significance. Review status: no assertion criteria provided. Collection method: clinical testing. Allele origin: germline. Affected: yes. Study: VKGL Data-share Consensus. Not counted in ClinVar's aggregate classification.

Diagnostic Laboratory, Department of Genetics, University Medical Center Groningen
Classification: Uncertain significance. Review status: no assertion criteria provided. Collection method: clinical testing. Allele origin: germline. Affected: yes. Study: VKGL Data-share Consensus. Not counted in ClinVar's aggregate classification.

Joint Genome Diagnostic Labs from Nijmegen and Maastricht, Radboudumc and MUMC+
Classification: Uncertain significance. Review status: no assertion criteria provided. Collection method: clinical testing. Allele origin: germline. Affected: yes. Study: VKGL Data-share Consensus. Not counted in ClinVar's aggregate classification.

Literature cited by the submitters: PubMed 38224077 (cited by Mayo Clinic Laboratories, Mayo Clinic).